The following is an entry in ClinVar:

ClinVar aggregate classification (germline): Uncertain significance. Review status: criteria provided, multiple submitters, no conflicts (2 of 4 stars). 3 submissions from 3 submitters: Uncertain significance (3). Last evaluated 2022-07-01.

Conditions:
Arthrogryposis multiplex congenita 3, myogenic type. Also called: ARTHROGRYPOSIS MULTIPLEX CONGENITA, MYOGENIC TYPE. Identifiers: MedGen C5193121, MONDO:0032778, OMIM 618484.
Emery-Dreifuss muscular dystrophy 4, autosomal dominant (EDMD4). Also called: EMERY-DREIFUSS MUSCULAR DYSTROPHY 4 WITH VARIABLE FEATURES. Identifiers: Orphanet 261, MedGen C2751807, MONDO:0013071, OMIM 612998.
Autosomal recessive ataxia, Beauce type. Also called: ATAXIA, RECESSIVE, OF BEAUCE; SYNE1 Deficiency; Spinocerebellar ataxia, autosomal recessive 8; SYNE1-Related Autosomal Recessive Cerebellar Ataxia. Identifiers: Orphanet 88644, MedGen C1853116, MONDO:0012549, OMIM 610743.

Allele frequency attached by ClinVar (database versions not stated): ExAC 0.00002; TOPMed 0.00002; gnomAD 0.00003 and 0.00004.
gnomAD v4.1: 47 of 1,611,460 alleles (0.0029%); highest among the groups gnomAD compares: African/African-American, 0.0081%; no homozygotes.

Submissions (3):

Revvity Omics, Revvity
Classification: Uncertain significance. Last evaluated: 2022-07-01. Review status: criteria provided, single submitter. Criteria: ACMG Guidelines, 2015. Collection method: clinical testing. Allele origin: germline.

Labcorp Genetics (formerly Invitae), Labcorp
Classification: Uncertain significance for Emery-Dreifuss muscular dystrophy 4, autosomal dominant; Autosomal recessive ataxia, Beauce type. Last evaluated: 2021-09-01. Review status: criteria provided, single submitter. Criteria: Invitae Variant Classification Sherloc (09022015). Collection method: clinical testing. Allele origin: germline.
Comment: This sequence change replaces arginine with tryptophan at codon 1812 of the SYNE1 protein (p.Arg1812Trp). The arginine residue is highly conserved and there is a moderate physicochemical difference between arginine and tryptophan. This variant is present in population databases (rs763781396, ExAC 0.006%). This variant has not been reported in the literature in individuals affected with SYNE1-related conditions. Algorithms developed to predict the effect of missense changes on protein structure and function (SIFT, PolyPhen-2, Align-GVGD) all suggest that this variant is likely to be disruptive. In summary, the available evidence is currently insufficient to determine the role of this variant in disease. Therefore, it has been classified as a Variant of Uncertain Significance.

Kariminejad - Najmabadi Pathology & Genetics Center
Classification: Uncertain significance for Arthrogryposis multiplex congenita 3, myogenic type; Emery-Dreifuss muscular dystrophy 4, autosomal dominant; Autosomal recessive ataxia, Beauce type. Last evaluated: 2021-05-23. Review status: criteria provided, single submitter. Criteria: ACMG Guidelines, 2015. Collection method: clinical testing. Allele origin: germline. Inheritance: Autosomal recessive inheritance. Affected: yes.
Comment: PM2

NM_182961.4(SYNE1):c.5413C>T (p.Arg1805Trp)

Gene: SYNE1 (spectrin repeat containing nuclear envelope protein 1; minus strand). Cytogenetic location: 6q25.2.
Variant type: single nucleotide variant.
Coding change: c.5413C>T on transcript NM_182961.4 (MANE Select); coding-DNA position 5413, C replaced by T.
Protein change: p.Arg1805Trp; replaces arginine 1805 with tryptophan.
Molecular consequence: missense variant.
Genome position (GRCh38, 1-based): chr6:152,419,577, G>A on the plus strand (C>T on the coding strand, the complement: SYNE1 is on the minus strand). VCF-style: chr6-152419577-G-A. GRCh37 (hg19) VCF-style: chr6-152740712-G-A.
Other names: c.5434C>T (NM_033071.4); c.5434C>T, p.Arg1812Trp (NM_033071.5); short protein forms R1805W, R1812W.
Identifiers: ClinVar variation 860785 (VCV000860785.10), dbSNP rs763781396, ClinGen allele CA4058305.
Genomic context (GRCh38, chr6:152,419,577, plus strand): 5'-TTTTTTATGAAGAAATTCTTCTTCAATCTTAAAAAAAAAAAAACCACTTTACCTTATGCC[G>A]AGTAAGGGCTACTTGATGGTCCATTATGCTAATCTCAGAGGTAGTTTGTAATTCACTGAG-3'
Protein context (NP_892006.3, residues 1795-1815): SIMDHQVALT[Arg1805Trp]HKDHAAEVES